The following is an entry in ClinVar:

ClinVar aggregate classification (germline): Pathogenic (1 of 4 stars; one submission).

Submission:

Labcorp Genetics (formerly Invitae), Labcorp
Classification: Pathogenic. Last evaluated: 2022-02-24. Review status: criteria provided, single submitter. Criteria: Invitae Variant Classification Sherloc (09022015). Collection method: clinical testing. Allele origin: germline.
Comment: For these reasons, this variant has been classified as Pathogenic. This variant has not been reported in the literature in individuals affected with PLS3-related conditions. This variant is not present in population databases (gnomAD no frequency). This sequence change creates a premature translational stop signal (p.Ile207Leufs*6) in the PLS3 gene. It is expected to result in an absent or disrupted protein product. Loss-of-function variants in PLS3 are known to be pathogenic (PMID: 24088043, 30405713, 33166085).

Literature cited by the submitters: PubMed 24088043; PubMed 30405713; PubMed 33166085.

NM_005032.7(PLS3):c.618del (p.Ile207fs)

Gene: PLS3 (plastin 3; plus strand). Cytogenetic location: Xq23.
Variant type: Deletion.
Coding change: c.618del on transcript NM_005032.7 (MANE Select); coding-DNA position 618, one base deleted (C; older notation c.618delC).
Protein change: p.Ile207fs; shifts the reading frame from isoleucine 207.
Molecular consequence: frameshift variant.
Genome position (GRCh38, 1-based): chrX:115,634,916, C deleted; the last of 2 consecutive C bases (chrX:115,634,915-115,634,916); deleting either gives the same sequence. VCF-style (leftmost placement, unchanged base first): chrX-115634914-GC-G. GRCh37 (hg19) VCF-style: chrX-114869226-GC-G.
Other names: c.618del, p.Ile207fs (NM_001136025.5); c.537del, p.Ile180fs (NM_001172335.3); c.552del, p.Ile185fs (NM_001282337.2); c.483del, p.Ile162fs (NM_001282338.2); short protein forms I185fs, I162fs, I180fs, I207fs.
Identifiers: ClinVar variation 1356620 (VCV001356620.6), dbSNP rs2147551767, ClinGen allele CA2573159200.